The following is an entry in ClinVar:

ClinVar aggregate classification (germline): Likely pathogenic (1 of 4 stars; one submission).

Conditions:
KDM2A-related neurodevelopmental disorder.

Submission:

Institute of Human Genetics, University of Leipzig Medical Center
Classification: Likely pathogenic for KDM2A-related neurodevelopmental disorder. Last evaluated: 2025-01-20. Review status: criteria provided, single submitter. Criteria: ACMG Guidelines, 2015. Collection method: research. Allele origin: de novo. Inheritance: Autosomal dominant inheritance. Affected: yes.
Comment: Criteria applied: PS2_MOD, PM2, PP2, PP3

Literature cited by the submitters: DOI 10.1101/2025.03.31.25324695.

NM_012308.3(KDM2A):c.1703G>A (p.Arg568Gln)

Gene: KDM2A (lysine demethylase 2A; plus strand). Cytogenetic location: 11q13.2.
Variant type: single nucleotide variant.
Coding change: c.1703G>A on transcript NM_012308.3 (MANE Select); coding-DNA position 1703, G replaced by A.
Protein change: p.Arg568Gln; replaces arginine 568 with glutamine.
Molecular consequence: missense variant. On other transcripts: non-coding transcript variant (1).
Genome position (GRCh38, 1-based): chr11:67,245,328, G>A. VCF-style: chr11-67245328-G-A. GRCh37 (hg19) VCF-style: chr11-67012799-G-A.
Other names: c.386G>A, p.Arg129Gln (NM_001256405.2); short protein forms R129Q, R568Q.
Identifiers: ClinVar variation 3778813 (VCV003778813.1).